The following is an entry in ClinVar:

NM_001346249.2(RALGAPA1):c.2775T>C (p.Phe925=)

Gene: RALGAPA1 (Ral GTPase activating protein catalytic subunit alpha 1; minus strand). Cytogenetic location: 14q13.2.
Variant type: single nucleotide variant.
Coding change: c.2775T>C on transcript NM_001346249.2 (MANE Select); coding-DNA position 2775, T replaced by C.
Protein change: p.Phe925=; no amino-acid change (phenylalanine 925 retained).
Molecular consequence: synonymous variant. On other transcripts: intron variant (8).
Genome position (GRCh38, 1-based): chr14:35,689,636, A>G on the plus strand (T>C on the coding strand, the complement: RALGAPA1 is on the minus strand). VCF-style: chr14-35689636-A-G. GRCh37 (hg19) VCF-style: chr14-36158842-A-G.
Other names: c.2634T>C, p.Phe878= (NM_001330075.3, NM_001346248.2); c.2434+200T>C (NM_194301.4, NM_001346246.2, NM_014990.3 and 2 more transcripts); c.2575+200T>C (NM_001346247.2, NM_001283044.3, NM_001346245.2).
Identifiers: ClinVar variation 2644173 (VCV002644173.24), dbSNP rs2550329142, ClinGen allele CA2624577809.

ClinVar aggregate classification (germline): Likely benign (1 of 4 stars; one submission).

Allele frequency attached by ClinVar (database versions not stated): gnomAD exomes below 0.00001.
gnomAD v4.1: 2 of 1,268,462 alleles (0.00016%); highest among the groups gnomAD compares: Non-Finnish European, 0.0002%; no homozygotes.

Submission:

CeGaT Center for Human Genetics Tuebingen
Classification: Likely benign. Last evaluated: 2023-05-01. Review status: criteria provided, single submitter. Criteria: CeGaT Center For Human Genetics Tuebingen Variant Classification Criteria Version 2. Collection method: clinical testing. Allele origin: germline. Affected: yes. Observed: 1 variant allele.
Comment: RALGAPA1: PM2:Supporting, BP4, BP7